The following is an entry in ClinVar:

ClinVar aggregate classification (germline): Conflicting classifications of pathogenicity. Review status: criteria provided, conflicting classifications (1 of 4 stars). 6 submissions from 6 submitters: Uncertain significance (2); Likely benign (3). 1 of the submissions does not count toward it. Last evaluated 2025-07-22.

Conditions:
NPHP3-related disorder. Also called: NPHP3-related disorders; NPHP3-related condition. Identifiers: MedGen CN379163.
Nephronophthisis. Also called: Juvenile Nephronophthisis. Identifiers: Orphanet 655, MedGen C0687120, MONDO:0019005, HP:0000090.

Allele frequency attached by ClinVar (database versions not stated): gnomAD exomes 0.00003 and 0.00007; ExAC 0.00013; ESP Exome Variant Server 0.00021; gnomAD 0.00026; TOPMed 0.00048.
gnomAD v4.1: 99 of 1,559,948 alleles (0.0063%); highest among the groups gnomAD compares: African/African-American, 0.12%; no homozygotes.

Submissions (6):

Labcorp Genetics (formerly Invitae), Labcorp
Classification: Likely benign for Nephronophthisis. Last evaluated: 2025-07-22. Review status: criteria provided, single submitter. Criteria: Invitae Variant Classification Sherloc (09022015). Collection method: clinical testing. Allele origin: germline.

CeGaT Center for Human Genetics Tuebingen
Classification: Likely benign. Last evaluated: 2025-02-01. Review status: criteria provided, single submitter. Criteria: CeGaT Center For Human Genetics Tuebingen Variant Classification Criteria Version 2. Collection method: clinical testing. Allele origin: germline. Affected: yes. Observed: 1 variant allele.
Comment: NPHP3: BP4, BP7

Blueprint Genetics
Classification: Likely benign. Last evaluated: 2023-09-18. Review status: criteria provided, single submitter. Criteria: ACMG Guidelines, 2015. Collection method: clinical testing. Allele origin: germline.

GeneDx
Classification: Uncertain significance. Last evaluated: 2022-06-22. Review status: criteria provided, single submitter. Criteria: GeneDx Variant Classification Process June 2021. Collection method: clinical testing. Allele origin: germline. Affected: yes.
Comment: In silico analysis supports that this variant does not alter splicing; Has not been previously published as pathogenic or benign to our knowledge

Eurofins Ntd Llc (ga)
Classification: Uncertain significance. Last evaluated: 2018-09-11. Review status: criteria provided, single submitter. Criteria: EGL ClinVar v180209 classification definitions. Collection method: clinical testing. Allele origin: germline. Observed: 4 variant alleles, 4 heterozygotes.

PreventionGenetics, part of Exact Sciences
Classification: Likely benign for NPHP3-related condition. Last evaluated: 2021-09-15. Review status: no assertion criteria provided. Collection method: clinical testing. Allele origin: germline. Not counted in ClinVar's aggregate classification.
Comment: This variant is classified as likely benign based on ACMG/AMP sequence variant interpretation guidelines (Richards et al. 2015 PMID: 25741868, with internal and published modifications).

NM_153240.5(NPHP3):c.118C>T (p.Leu40=)

Genes: NPHP3-ACAD11 (NPHP3-ACAD11 readthrough (NMD candidate); minus strand), NPHP3-AS1 (NPHP3 antisense RNA 1; plus strand), NPHP3 (nephrocystin 3; minus strand), LOC129937586 (ATAC-STARR-seq lymphoblastoid silent region 14743; plus strand). Cytogenetic location: 3q22.1.
Variant type: single nucleotide variant.
Coding change: c.118C>T on transcript NM_153240.5 (MANE Select); coding-DNA position 118, C replaced by T.
Protein change: p.Leu40=; no amino-acid change (leucine 40 retained).
Molecular consequence: synonymous variant. On other transcripts: non-coding transcript variant (3).
Genome position (GRCh38, 1-based): chr3:132,722,238, G>A on the plus strand (C>T on the coding strand, the complement: NPHP3 is on the minus strand). VCF-style: chr3-132722238-G-A. GRCh37 (hg19) VCF-style: chr3-132441082-G-A.
Identifiers: ClinVar variation 498140 (VCV000498140.33), dbSNP rs374281831, ClinGen allele CA2622707.